The following is an entry in ClinVar:

ClinVar aggregate classification (germline): Benign/Likely benign. Review status: criteria provided, multiple submitters, no conflicts (2 of 4 stars). 5 submissions from 5 submitters: Benign (3); Likely benign (2). Last evaluated 2026-02-03.

Conditions:
Cardiovascular phenotype. Identifiers: MedGen CN230736.
Telangiectasia, hereditary hemorrhagic, type 2 (HHT2). Also called: Telangiectasia, hereditary hemorrhagic, type II; ACVRL1-Related Hereditary Hemorrhagic Telangiectasia. Identifiers: Orphanet 774, MedGen C1838163, MONDO:0010880, OMIM 600376. Disease mechanism: loss of function.

Allele frequency attached by ClinVar (database versions not stated): gnomAD exomes 0.00009 and 0.00043; gnomAD 0.00011 and 0.00013; TOPMed 0.00021; ExAC 0.00038; 1000 Genomes Project 30x 0.00047; 1000 Genomes Project 0.00060.
gnomAD v4.1: 153 of 1,613,540 alleles (0.0095%); highest among the groups gnomAD compares: East Asian, 0.31%; no homozygotes.

Submissions (5):

Labcorp Genetics (formerly Invitae), Labcorp
Classification: Benign for Telangiectasia, hereditary hemorrhagic, type 2. Last evaluated: 2026-02-03. Review status: criteria provided, single submitter. Criteria: Invitae Variant Classification Sherloc (09022015). Collection method: clinical testing. Allele origin: germline.

Blueprint Genetics
Classification: Likely benign. Last evaluated: 2024-05-30. Review status: criteria provided, single submitter. Criteria: ACMG Guidelines, 2015. Collection method: clinical testing. Allele origin: germline.

Ambry Genetics
Classification: Benign for Cardiovascular phenotype. Last evaluated: 2022-02-08. Review status: criteria provided, single submitter. Criteria: Ambry Variant Classification Scheme 2023. Collection method: clinical testing. Allele origin: germline.

Genome-Nilou Lab
Classification: Benign for Telangiectasia, hereditary hemorrhagic, type 2. Last evaluated: 2021-12-05. Review status: criteria provided, single submitter. Criteria: ACMG Guidelines, 2015. Collection method: clinical testing. Allele origin: germline. Affected: no.

GeneDx
Classification: Likely benign. Last evaluated: 2018-03-08. Review status: criteria provided, single submitter. Criteria: GeneDx Variant Classification (06012015). Collection method: clinical testing. Allele origin: germline. Affected: yes.
Comment: This variant is considered likely benign or benign based on one or more of the following criteria: it is a conservative change, it occurs at a poorly conserved position in the protein, it is predicted to be benign by multiple in silico algorithms, and/or has population frequency not consistent with disease.

NM_000020.3(ACVRL1):c.993C>T (p.Phe331=)

Gene: ACVRL1 (activin A receptor like type 1; plus strand). Cytogenetic location: 12q13.13.
Variant type: single nucleotide variant.
Coding change: c.993C>T on transcript NM_000020.3 (MANE Select); coding-DNA position 993, C replaced by T.
Protein change: p.Phe331=; no amino-acid change (phenylalanine 331 retained).
Molecular consequence: synonymous variant.
Genome position (GRCh38, 1-based): chr12:51,915,445, C>T. VCF-style: chr12-51915445-C-T. GRCh37 (hg19) VCF-style: chr12-52309229-C-T.
Other names: c.993C>T, p.Phe331= (NM_001077401.2).
Identifiers: ClinVar variation 515939 (VCV000515939.16), dbSNP rs56379428, ClinGen allele CA6573032.